The following is an entry in ClinVar:

NM_001943.5(DSG2):c.1028A>C (p.Glu343Ala)

Gene: DSG2 (desmoglein 2; plus strand). Cytogenetic location: 18q12.1.
Variant type: single nucleotide variant.
Coding change: c.1028A>C on transcript NM_001943.5 (MANE Select); coding-DNA position 1028, A replaced by C.
Protein change: p.Glu343Ala; replaces glutamic acid 343 with alanine.
Molecular consequence: missense variant.
Genome position (GRCh38, 1-based): chr18:31,531,000, A>C. VCF-style: chr18-31531000-A-C. GRCh37 (hg19) VCF-style: chr18-29110963-A-C.
Other names: short protein forms E343A.
Identifiers: ClinVar variation 4757001 (VCV004757001.1).

ClinVar aggregate classification (germline): Uncertain significance (1 of 4 stars; one submission).

Conditions:
Cardiomyopathy (CMYO). Also called: Cardiomyopathies. Identifiers: Orphanet 167848, MedGen C0878544, MONDO:0004994, HP:0001638. Inheritance: Various modes of inheritance.

Submission:

Color Diagnostics, LLC DBA Color Health
Classification: Uncertain significance for Cardiomyopathy. Last evaluated: 2025-06-23. Review status: criteria provided, single submitter. Criteria: ACMG Guidelines, 2015. Collection method: clinical testing. Allele origin: germline.
Comment: This missense variant replaces glutamic acid with alanine at codon 343 of the DSG2 protein. Computational prediction suggests that this variant may have deleterious impact on protein structure and function. To our knowledge, functional studies have not been reported for this variant. This variant has not been reported in individuals affected with DSG2-related disorders in the literature. This variant has not been identified in the general population by the Genome Aggregation Database (gnomAD). The available evidence is insufficient to determine the role of this variant in disease conclusively. Therefore, this variant is classified as a Variant of Uncertain Significance.